The following is an entry in ClinVar:

NM_032482.3(DOT1L):c.4414C>A (p.Pro1472Thr)

Gene: DOT1L (DOT1 like histone lysine methyltransferase; plus strand). Cytogenetic location: 19p13.3.
Variant type: single nucleotide variant.
Coding change: c.4414C>A on transcript NM_032482.3 (MANE Select); coding-DNA position 4414, C replaced by A.
Protein change: p.Pro1472Thr; replaces proline 1472 with threonine.
Molecular consequence: missense variant.
Genome position (GRCh38, 1-based): chr19:2,226,935, C>A. VCF-style: chr19-2226935-C-A. GRCh37 (hg19) VCF-style: chr19-2226934-C-A.
Other names: c.4414C>A, p.Pro1472Thr (NM_001411141.1); short protein forms P1472T.
Identifiers: ClinVar variation 5040133 (VCV005040133.1).

ClinVar aggregate classification (germline): Uncertain significance (1 of 4 stars; one submission).

Submission:

CeGaT Center for Human Genetics Tuebingen
Classification: Uncertain significance. Last evaluated: 2026-07-01. Review status: criteria provided, single submitter. Criteria: CeGaT Center For Human Genetics Tuebingen Variant Classification Criteria Version 2. Collection method: clinical testing. Allele origin: germline. Affected: yes. Observed: 1 variant allele.
Comment: DOT1L: PM2, BP4